The following is an entry in ClinVar:

NM_001042492.3(NF1):c.2050C>G (p.Gln684Glu)

Gene: NF1 (neurofibromin 1; plus strand). Cytogenetic location: 17q11.2.
Variant type: single nucleotide variant.
Coding change: c.2050C>G on transcript NM_001042492.3 (MANE Select); coding-DNA position 2050, C replaced by G.
Protein change: p.Gln684Glu; replaces glutamine 684 with glutamic acid.
Molecular consequence: missense variant.
Genome position (GRCh38, 1-based): chr17:31,226,483, C>G. VCF-style: chr17-31226483-C-G. GRCh37 (hg19) VCF-style: chr17-29553501-C-G.
Other names: c.2050C>G, p.Gln684Glu (NM_000267.4); short protein forms Q684E.
Identifiers: ClinVar variation 1052632 (VCV001052632.9), dbSNP rs2067016517, ClinGen allele CA398982087.
Genomic context (GRCh38, chr17:31,226,483, plus strand): 5'-CTTGACTCTCAGGATAGTGCAGCAGGATGCAGCGGAACCCCCCCGATTTGCCGACAAGCC[C>G]AGACCAAACTAGAAGTGGCCCTGTACATGTTTCTGTGGAACCCTGACACTGAAGCTGTTC-3'
Protein context (NP_001035957.1, residues 674-694): SGTPPICRQA[Gln684Glu]TKLEVALYMF

ClinVar aggregate classification (germline): Conflicting classifications of pathogenicity. Review status: criteria provided, conflicting classifications (1 of 4 stars). 4 submissions from 4 submitters: Uncertain significance (3); Benign (1). Last evaluated 2025-11-26.

Conditions:
Cardiovascular phenotype. Identifiers: MedGen CN230736.
Hereditary cancer-predisposing syndrome. Also called: Hereditary Cancer Syndrome; Tumor predisposition; Hereditary neoplastic syndrome; Neoplastic Syndromes, Hereditary. Identifiers: Orphanet 140162, MedGen C0027672, MeSH D009386, MONDO:0015356.
Neurofibromatosis, type 1 (NF1). Also called: Peripheral type neurofibromatosis; Neurofibromatosis, type I; VON RECKLINGHAUSEN DISEASE; NEUROFIBROMATOSIS, TYPE I, SOMATIC. Identifiers: Orphanet 636, MedGen C0027831, MONDO:0018975, OMIM 162200. Disease mechanism: loss of function.

Allele frequency attached by ClinVar (database versions not stated): TOPMed below 0.00001.

Submissions (4):

Ambry Genetics
Classification: Uncertain significance for Cardiovascular phenotype; Hereditary cancer-predisposing syndrome. Last evaluated: 2025-11-26. Review status: criteria provided, single submitter. Criteria: Ambry Variant Classification Scheme 2023. Collection method: clinical testing. Allele origin: germline.
Comment: The p.Q684E variant (also known as c.2050C>G), located in coding exon 18 of the NF1 gene, results from a C to G substitution at nucleotide position 2050. The glutamine at codon 684 is replaced by glutamic acid, an amino acid with highly similar properties. This amino acid position is highly conserved in available vertebrate species. In addition, the in silico prediction for this alteration is inconclusive. Based on the available evidence, the clinical significance of this variant remains unclear.

Labcorp Genetics (formerly Invitae), Labcorp
Classification: Benign for Neurofibromatosis, type 1. Last evaluated: 2025-06-24. Review status: criteria provided, single submitter. Criteria: Invitae Variant Classification Sherloc (09022015). Collection method: clinical testing. Allele origin: germline.

Institute for Biomarker Research, Medical Diagnostic Laboratories, L.L.C.
Classification: Uncertain significance for Hereditary cancer-predisposing syndrome. Last evaluated: 2024-05-22. Review status: criteria provided, single submitter. Criteria: ACMG Guidelines, 2015. Collection method: clinical testing. Allele origin: germline.

GeneDx
Classification: Uncertain significance. Last evaluated: 2023-02-14. Review status: criteria provided, single submitter. Criteria: GeneDx Variant Classification Process June 2021. Collection method: clinical testing. Allele origin: germline. Affected: yes.
Comment: Not observed at significant frequency in large population cohorts (gnomAD); In silico analysis supports that this missense variant does not alter protein structure/function; Has not been previously published as pathogenic or benign to our knowledge; This variant is associated with the following publications: (PMID: 25486365)